The following is an entry in ClinVar:

ClinVar aggregate classification (germline): Uncertain significance (1 of 4 stars; one submission).

Conditions:
Cardiovascular phenotype. Identifiers: MedGen CN230736.

Submission:

Ambry Genetics
Classification: Uncertain significance for Cardiovascular phenotype. Last evaluated: 2026-07-04. Review status: criteria provided, single submitter. Criteria: Ambry Variant Classification Scheme 2023. Collection method: clinical testing. Allele origin: germline.
Comment: The p.C422G variant (also known as c.1264T>G), located in coding exon 10 of the VCL gene, results from a T to G substitution at nucleotide position 1264. The cysteine at codon 422 is replaced by glycine, an amino acid with highly dissimilar properties. This amino acid position is conserved. In addition, this alteration is predicted to be deleterious by in silico analysis. Based on the available evidence, the clinical significance of this variant remains unclear.

NM_014000.3(VCL):c.1264T>G (p.Cys422Gly)

Gene: VCL (vinculin; plus strand). Cytogenetic location: 10q22.2.
Variant type: single nucleotide variant.
Coding change: c.1264T>G on transcript NM_014000.3 (MANE Select); coding-DNA position 1264, T replaced by G.
Protein change: p.Cys422Gly; replaces cysteine 422 with glycine.
Molecular consequence: missense variant.
Genome position (GRCh38, 1-based): chr10:74,090,110, T>G. VCF-style: chr10-74090110-T-G. GRCh37 (hg19) VCF-style: chr10-75849868-T-G.
Other names: c.1264T>G, p.Cys422Gly (NM_003373.4); short protein forms C422G.
Identifiers: ClinVar variation 5031677 (VCV005031677.1).